The following is an entry in ClinVar:

NM_018975.4(TERF2IP):c.364G>A (p.Ala122Thr)

Gene: TERF2IP (TERF2 interacting protein; plus strand). Cytogenetic location: 16q23.1.
Variant type: single nucleotide variant.
Coding change: c.364G>A on transcript NM_018975.4 (MANE Select); coding-DNA position 364, G replaced by A.
Protein change: p.Ala122Thr; replaces alanine 122 with threonine.
Molecular consequence: missense variant. On other transcripts: non-coding transcript variant (1).
Genome position (GRCh38, 1-based): chr16:75,648,246, G>A. VCF-style: chr16-75648246-G-A. GRCh37 (hg19) VCF-style: chr16-75682144-G-A.
Other names: short protein forms A122T.
Identifiers: ClinVar variation 3227171 (VCV003227171.1), dbSNP rs2507073831, ClinGen allele CA396817747.

ClinVar aggregate classification (germline): Uncertain significance (1 of 4 stars; one submission).

Allele frequency attached by ClinVar (database versions not stated): gnomAD exomes below 0.00001.
gnomAD v4.1: 1 of 1,545,140 alleles (0.000065%); highest among the groups gnomAD compares: Non-Finnish European, 0.000087%; no homozygotes.

Submission:

Ambry Genetics
Classification: Uncertain significance. Last evaluated: 2024-03-09. Review status: criteria provided, single submitter. Criteria: Ambry Variant Classification Scheme 2023. Collection method: clinical testing. Allele origin: germline.
Comment: The p.A122T variant (also known as c.364G>A), located in coding exon 1 of the TERF2IP gene, results from a G to A substitution at nucleotide position 364. The alanine at codon 122 is replaced by threonine, an amino acid with similar properties. This amino acid position is conserved. In addition, this alteration is predicted to be tolerated by in silico analysis. Based on the available evidence, the clinical significance of this alteration remains unclear.